The following is an entry in ClinVar:

ClinVar aggregate classification (germline): Uncertain significance (1 of 4 stars; one submission).

Submission:

Labcorp Genetics (formerly Invitae), Labcorp
Classification: Uncertain significance. Last evaluated: 2025-06-12. Review status: criteria provided, single submitter. Criteria: Invitae Variant Classification Sherloc (09022015). Collection method: clinical testing. Allele origin: germline.
Comment: This variant, c.1192_1203del, results in the deletion of 4 amino acid(s) of the CLCNKB protein (p.Ile398_Thr401del), but otherwise preserves the integrity of the reading frame. The frequency data for this variant in the population databases is considered unreliable, as metrics indicate poor data quality at this position in the gnomAD database. This variant has been observed in individual(s) with Bartter syndrome (PMID: 24058621; internal data). In at least one individual the data is consistent with being in trans (on the opposite chromosome) from a pathogenic variant. ClinVar contains an entry for this variant (Variation ID: 2733832). Experimental studies and prediction algorithms are not available or were not evaluated, and the functional significance of this variant is currently unknown. In summary, the available evidence is currently insufficient to determine the role of this variant in disease. Therefore, it has been classified as a Variant of Uncertain Significance.

Literature cited by the submitters: PubMed 24058621.

NM_000085.5(CLCNKB):c.1192_1203del (p.Ile398_Thr401del)

Genes: CLCNKB (chloride voltage-gated channel Kb; plus strand), LOC106501713 (CLCNKB recombination region; plus strand). Cytogenetic location: 1p36.13.
Variant type: Deletion.
Coding change: c.1192_1203del on transcript NM_000085.5 (MANE Select); coding-DNA positions 1192 to 1203, 12 bases deleted (ATCTTTGGGACC).
Protein change: p.Ile398_Thr401del.
Molecular consequence: inframe deletion.
Genome position (GRCh38, 1-based): chr1:16,051,013-16,051,024, ATCTTTGGGACC deleted; deleting any 12 consecutive bases within chr1:16,051,010-16,051,024 gives the same sequence; the c. name uses the placement nearest the transcript's 3' end. VCF-style (leftmost placement, unchanged base first): chr1-16051009-CACCATCTTTGGG-C. GRCh37 (hg19) VCF-style: chr1-16377504-CACCATCTTTGGG-C.
Other names: c.685_696del, p.Ile229_Thr232del (NM_001165945.2).
Identifiers: ClinVar variation 2733832 (VCV002733832.3), dbSNP rs771370918, ClinGen allele CA623735.